The following is an entry in ClinVar:

ClinVar aggregate classification (germline): Pathogenic (1 of 4 stars; one submission).

Conditions:
Inborn genetic diseases. Identifiers: MedGen C0950123, MeSH D030342.

Submission:

Ambry Genetics
Classification: Pathogenic for Inborn genetic diseases. Last evaluated: 2015-11-10. Review status: criteria provided, single submitter. Criteria: Ambry Variant Classification Scheme 2023. Collection method: clinical testing. Allele origin: germline.
Comment: The c.2544_2546delAGAinsTG pathogenic mutation, located in coding exon 7 of the CHD7 gene, results from the deletion of 3 nucleotides and the insertion of two nucleotides causing a translational frameshift with a predicted alternate stop codon. Since frameshifts are typically deleterious in nature, this alteration is interpreted as a disease-causing mutation (ACMG Recommendations for Standards for Interpretation and Reporting of Sequence Variations. Revision 2007. Genet Med. 2008;10:294).

NM_017780.4(CHD7):c.2544_2546delinsTG (p.Lys848fs)

Gene: CHD7 (chromodomain helicase DNA binding protein 7; plus strand). Cytogenetic location: 8q12.2.
Variant type: Indel.
Coding change: c.2544_2546delinsTG on transcript NM_017780.4 (MANE Select); coding-DNA positions 2544 to 2546, AGA replaced by TG.
Protein change: p.Lys848fs; shifts the reading frame from lysine 848.
Molecular consequence: frameshift variant. On other transcripts: intron variant (1).
Genome position (GRCh38, 1-based): chr8:60,816,432-60,816,434, AGA replaced by TG. VCF-style: chr8-60816432-AGA-TG. GRCh37 (hg19) VCF-style: chr8-61728991-AGA-TG.
Other names: c.1716+35382_1716+35384delinsTG (NM_001316690.1); short protein forms K848fs.
Identifiers: ClinVar variation 1792858 (VCV001792858.2), dbSNP rs2487774322, ClinGen allele CA2580078451.